The following is an entry in ClinVar:

ClinVar aggregate classification (germline): Uncertain significance (1 of 4 stars; one submission).

Submission:

Women's Health and Genetics/Laboratory Corporation of America, LabCorp
Classification: Uncertain significance. Last evaluated: 2021-03-19. Review status: criteria provided, single submitter. Criteria: LabCorp Variant Classification Summary - May 2015. Collection method: clinical testing. Allele origin: germline.
Comment: Variant summary: CBL c.1168G>C (p.Asp390His) results in a non-conservative amino acid change located in the Zinc finger, RING-type domain (IPR001841) of the encoded protein sequence. Five of five in-silico tools predict a damaging effect of the variant on protein function. The variant was absent in 251350 control chromosomes. The available data on variant occurrences in the general population are insufficient to allow any conclusion about variant significance. To our knowledge, no occurrence of c.1168G>C in individuals affected with Noonan Syndrome And Related Conditions and no experimental evidence demonstrating its impact on protein function have been reported. No clinical diagnostic laboratories have submitted clinical-significance assessments for this variant to ClinVar after 2014. Based on the evidence outlined above, the variant was classified as uncertain significance.

Literature cited by the submitters: PubMed 25224413; PubMed 21828135; PubMed 23690417; PubMed 19387008; PubMed 19901108; PubMed 20951944; PubMed 19620960; PubMed 22733026; PubMed 29296819; PubMed 20694012; PubMed 20619386; PubMed 23010802; PubMed 23696637; PubMed 27069254.

NM_005188.4(CBL):c.1168G>C (p.Asp390His)

Gene: CBL (Cbl proto-oncogene; plus strand). Cytogenetic location: 11q23.3.
Variant type: single nucleotide variant.
Coding change: c.1168G>C on transcript NM_005188.4 (MANE Select); coding-DNA position 1168, G replaced by C.
Protein change: p.Asp390His; replaces aspartic acid 390 with histidine.
Molecular consequence: missense variant.
Genome position (GRCh38, 1-based): chr11:119,278,238, G>C. VCF-style: chr11-119278238-G-C. GRCh37 (hg19) VCF-style: chr11-119148948-G-C.
Other names: short protein forms D390H.
Identifiers: ClinVar variation 1050847 (VCV001050847.1), dbSNP rs267606707, ClinGen allele CA382912659.
Genomic context (GRCh38, chr11:119,278,238, plus strand): 5'-TTATACTGTGAGATGGGCTCCACATTCCAACTATGTAAAATATGTGCTGAAAATGATAAG[G>C]ATGTAAAGATTGAGCCCTGTGGACACCTCATGTGCACATCCTGTCTTACATCCTGGCAGG-3'
Protein context (NP_005179.2, residues 380-400): LCKICAENDK[Asp390His]VKIEPCGHLM